The following is an entry in ClinVar:

ClinVar aggregate classification (germline): Uncertain significance (1 of 4 stars; one submission).

Conditions:
Hypertrophic cardiomyopathy. Also called: HYPERTROPHIC MYOCARDIOPATHY. Identifiers: Orphanet 217569, MedGen C0007194, MeSH D002312, MONDO:0005045, HP:0001639.
Primary dilated cardiomyopathy (DCM). Also called: Dilated Cardiomyopathy. Identifiers: Orphanet 217604, MedGen C0007193, MeSH D002311, MONDO:0005021, HP:0001644. Inheritance: Various modes of inheritance.

gnomAD v4.1: 2 of 1,614,134 alleles (0.00012%); highest among the groups gnomAD compares: South Asian, 0.0011%; no homozygotes.

Submission:

Labcorp Genetics (formerly Invitae), Labcorp
Classification: Uncertain significance for Hypertrophic cardiomyopathy; Primary dilated cardiomyopathy. Last evaluated: 2025-09-14. Review status: criteria provided, single submitter. Criteria: Invitae Variant Classification Sherloc (09022015). Collection method: clinical testing. Allele origin: germline.
Comment: This sequence change replaces valine, which is neutral and non-polar, with isoleucine, which is neutral and non-polar, at codon 210 of the PDLIM3 protein (p.Val210Ile). This variant is not present in population databases (gnomAD no frequency). This variant has not been reported in the literature in individuals affected with PDLIM3-related conditions. Invitae Evidence Modeling of protein sequence and biophysical properties (such as structural, functional, and spatial information, amino acid conservation, physicochemical variation, residue mobility, and thermodynamic stability) indicates that this missense variant is not expected to disrupt PDLIM3 protein function with a negative predictive value of 80%. In summary, the available evidence is currently insufficient to determine the role of this variant in disease. Therefore, it has been classified as a Variant of Uncertain Significance.

NM_014476.6(PDLIM3):c.628G>A (p.Val210Ile)

Gene: PDLIM3 (PDZ and LIM domain 3; minus strand). Cytogenetic location: 4q35.1.
Variant type: single nucleotide variant.
Coding change: c.628G>A on transcript NM_014476.6 (MANE Select); coding-DNA position 628, G replaced by A.
Protein change: p.Val210Ile; replaces valine 210 with isoleucine.
Molecular consequence: missense variant. On other transcripts: intron variant (3).
Genome position (GRCh38, 1-based): chr4:185,508,333, C>T on the plus strand (G>A on the coding strand, the complement: PDLIM3 is on the minus strand). VCF-style: chr4-185508333-C-T. GRCh37 (hg19) VCF-style: chr4-186429487-C-T.
Other names: c.162-1681G>A (NM_001257963.2); c.399-1681G>A (NM_001257962.2); c.519-1681G>A (NM_001114107.5); short protein forms V210I.
Identifiers: ClinVar variation 4788745 (VCV004788745.1).